The following is an entry in ClinVar:

NM_173546.3(KLHDC8B):c.917G>A (p.Arg306Gln)

Gene: KLHDC8B (kelch domain containing 8B; plus strand). Cytogenetic location: 3p21.31.
Variant type: single nucleotide variant.
Coding change: c.917G>A on transcript NM_173546.3 (MANE Select); coding-DNA position 917, G replaced by A.
Protein change: p.Arg306Gln; replaces arginine 306 with glutamine.
Molecular consequence: missense variant.
Genome position (GRCh38, 1-based): chr3:49,175,653, G>A. VCF-style: chr3-49175653-G-A. GRCh37 (hg19) VCF-style: chr3-49213086-G-A.
Other names: c.917G>A (NM_173546.2); short protein forms R306Q.
Identifiers: ClinVar variation 3605286 (VCV003605286.3).

ClinVar aggregate classification (germline): Uncertain significance. Review status: criteria provided, multiple submitters, no conflicts (2 of 4 stars). 2 submissions from 2 submitters: Uncertain significance (2). Last evaluated 2025-05-20.

Submissions (2):

Ambry Genetics
Classification: Uncertain significance. Last evaluated: 2025-05-20. Review status: criteria provided, single submitter. Criteria: Ambry Variant Classification Scheme 2023. Collection method: clinical testing. Allele origin: germline.

Labcorp Genetics (formerly Invitae), Labcorp
Classification: Uncertain significance. Last evaluated: 2024-10-02. Review status: criteria provided, single submitter. Criteria: Invitae Variant Classification Sherloc (09022015). Collection method: clinical testing. Allele origin: germline.
Comment: This sequence change replaces arginine, which is basic and polar, with glutamine, which is neutral and polar, at codon 306 of the KLHDC8B protein (p.Arg306Gln). This variant is present in population databases (rs375296215, gnomAD 0.003%). This variant has not been reported in the literature in individuals affected with KLHDC8B-related conditions. An algorithm developed to predict the effect of missense changes on protein structure and function outputs the following: PolyPhen-2: "Benign". The glutamine amino acid residue is found in multiple mammalian species, which suggests that this missense change does not adversely affect protein function. In summary, the available evidence is currently insufficient to determine the role of this variant in disease. Therefore, it has been classified as a Variant of Uncertain Significance.